The following is an entry in ClinVar:

ClinVar aggregate classification (germline): Likely benign (1 of 4 stars; one submission).

Submission:

CeGaT Center for Human Genetics Tuebingen
Classification: Likely benign. Last evaluated: 2022-09-01. Review status: criteria provided, single submitter. Criteria: CeGaT Center For Human Genetics Tuebingen Variant Classification Criteria Version 2. Collection method: clinical testing. Allele origin: germline. Affected: yes. Observed: 1 variant allele.
Comment: NBPF11: PM2:Supporting, BP4, BP7; NBPF8: PM2:Supporting, BP4, BP7

Single allele

Gene: NBPF11 (NBPF member 11; minus strand). Cytogenetic location: 1q21.1.
Variant type: single nucleotide variant.
Identifiers: ClinVar variation 2639115 (VCV002639115.19), dbSNP rs1556092273, ClinGen allele CA1061083.